The following is an entry in ClinVar:

ClinVar aggregate classification (germline): Likely benign (1 of 4 stars; one submission).

Submission:

CeGaT Center for Human Genetics Tuebingen
Classification: Likely benign. Last evaluated: 2024-05-01. Review status: criteria provided, single submitter. Criteria: CeGaT Center For Human Genetics Tuebingen Variant Classification Criteria Version 2. Collection method: clinical testing. Allele origin: germline. Affected: yes. Observed: 1 variant allele.
Comment: CYBB: PM2:Supporting, BP4, BP7

NM_000397.4(CYBB):c.6G>T (p.Gly2=)

Gene: CYBB (cytochrome b-245 beta chain; plus strand). Cytogenetic location: Xp21.1.
Variant type: single nucleotide variant.
Coding change: c.6G>T on transcript NM_000397.4 (MANE Select); coding-DNA position 6, G replaced by T.
Protein change: p.Gly2=; no amino-acid change (glycine 2 retained).
Molecular consequence: synonymous variant.
Genome position (GRCh38, 1-based): chrX:37,780,083, G>T. VCF-style: chrX-37780083-G-T. GRCh37 (hg19) VCF-style: chrX-37639336-G-T.
Identifiers: ClinVar variation 3239486 (VCV003239486.19), dbSNP rs372462475.